The following is an entry in ClinVar:

ClinVar aggregate classification (germline): Uncertain significance (1 of 4 stars; one submission).

Allele frequency attached by ClinVar (database versions not stated): TOPMed 0.00001.

Submission:

Labcorp Genetics (formerly Invitae), Labcorp
Classification: Uncertain significance. Last evaluated: 2024-12-02. Review status: criteria provided, single submitter. Criteria: Invitae Variant Classification Sherloc (09022015). Collection method: clinical testing. Allele origin: germline.
Comment: This sequence change replaces aspartic acid, which is acidic and polar, with glycine, which is neutral and non-polar, at codon 99 of the SPP2 protein (p.Asp99Gly). This variant is not present in population databases (gnomAD no frequency). This variant has not been reported in the literature in individuals affected with SPP2-related conditions. ClinVar contains an entry for this variant (Variation ID: 1958362). An algorithm developed to predict the effect of missense changes on protein structure and function (PolyPhen-2) suggests that this variant is likely to be disruptive. In summary, the available evidence is currently insufficient to determine the role of this variant in disease. Therefore, it has been classified as a Variant of Uncertain Significance.

NM_006944.3(SPP2):c.296A>G (p.Asp99Gly)

Gene: SPP2 (secreted phosphoprotein 2; plus strand). Cytogenetic location: 2q37.1.
Variant type: single nucleotide variant.
Coding change: c.296A>G on transcript NM_006944.3 (MANE Select); coding-DNA position 296, A replaced by G.
Protein change: p.Asp99Gly; replaces aspartic acid 99 with glycine.
Molecular consequence: missense variant.
Genome position (GRCh38, 1-based): chr2:234,058,921, A>G. VCF-style: chr2-234058921-A-G. GRCh37 (hg19) VCF-style: chr2-234967565-A-G.
Other names: short protein forms D99G.
Identifiers: ClinVar variation 1958362 (VCV001958362.5), dbSNP rs1693662893, ClinGen allele CA351101986.